The following is an entry in ClinVar:

NM_007294.4(BRCA1):c.5333-12T>C

Gene: BRCA1 (BRCA1 DNA repair associated; minus strand). Cytogenetic location: 17q21.31.
Variant type: single nucleotide variant.
Coding change: c.5333-12T>C on transcript NM_007294.4 (MANE Select); 12 bases into the intron before coding-DNA position 5333, T replaced by C.
Molecular consequence: intron variant.
Genome position (GRCh38, 1-based): chr17:43,049,206, A>G on the plus strand (T>C on the coding strand, the complement: BRCA1 is on the minus strand). VCF-style: chr17-43049206-A-G. GRCh37 (hg19) VCF-style: chr17-41201223-A-G.
Other names: c.1880-12T>C (NM_001408458.1, NM_001408461.1, NM_001408464.1 and 7 more transcripts); c.4442-12T>C (NM_001407967.1); c.4952-12T>C (NM_001407959.1); c.5066-12T>C (NM_001407931.1, NM_001407932.1, NM_001407928.1 and 4 more transcripts); c.5189-12T>C (NM_001407747.1, NM_001407745.1, NM_001407737.1 and 18 more transcripts); c.4949-12T>C (NM_001407962.1, NM_001407960.1); c.1520-12T>C (NM_001408512.1); c.1643-12T>C (NM_001408510.1); and 84 more.
Identifiers: ClinVar variation 752391 (VCV000752391.15), dbSNP rs1170399168, ClinGen allele CA772166831.
Genomic context (GRCh38, chr17:43,049,206, plus strand): 5'-TCCTTCACCACAGAAGCACCACACAGCTGTACCATCCATTCCAGTTGATCTAAAATGGAC[A>G]TTTAGATGTAAAATCACTGCAGTAATCTGCATACTTAACCCAGGCCCTCTACCCTACACT-3'

ClinVar aggregate classification (germline): Likely benign. Review status: criteria provided, multiple submitters, no conflicts (2 of 4 stars). 2 submissions from 2 submitters: Likely benign (2). Last evaluated 2025-07-04.

Conditions:
Hereditary breast ovarian cancer syndrome. Also called: BRCA1- and BRCA2-Associated Hereditary Breast and Ovarian Cancer; Hereditary breast and ovarian cancer syndrome (HBOC); Hereditary breast and ovarian cancer syndrome; Breast and ovarian cancer; Hereditary breast and ovarian cancer; Hereditary breast and/or ovarian cancer syndrome. Identifiers: Orphanet 145, MedGen C0677776, MeSH D061325, MONDO:0003582. Disease mechanism: loss of function.

Allele frequency attached by ClinVar (database versions not stated): TOPMed below 0.00001.

Submissions (3):

Labcorp Genetics (formerly Invitae), Labcorp
Classification: Likely benign for Hereditary breast ovarian cancer syndrome. Last evaluated: 2025-07-04. Review status: criteria provided, single submitter. Criteria: Invitae Variant Classification Sherloc (09022015). Collection method: clinical testing. Allele origin: germline.

Women's Health and Genetics/Laboratory Corporation of America, LabCorp
Classification: Likely benign. Last evaluated: 2024-12-17. Review status: criteria provided, single submitter. Criteria: LabCorp Variant Classification Summary - May 2015. Collection method: clinical testing. Allele origin: germline.
Comment: Variant summary: BRCA1 c.5333-12T>C alters a nucleotide located at a position not widely known to affect splicing. Consensus agreement among computation tools predict no significant impact on normal splicing. However, these predictions have yet to be confirmed by functional studies. The variant was absent in 251364 control chromosomes. The available data on variant occurrences in the general population are insufficient to allow any conclusion about variant significance. To our knowledge, no occurrence of c.5333-12T>C in individuals affected with Hereditary Breast And Ovarian Cancer Syndrome has been reported. At least one functional study reports experimental evidence evaluating an impact on protein function and showed no damaging effect of this variant on homology directed repair (HDR) activity (e.g. Findlay_2018). HDR assays qualify as a recognized gold standard on the basis of updated guidance provided by the ClinGen Sequence Variant Interpretation (SVI) working group. ClinVar contains an entry for this variant (Variation ID: 752391). Based on the evidence outlined above, the variant was classified as likely benign.

Brotman Baty Institute, University of Washington
No classification provided (evidence only). Condition: Breast-ovarian cancer, familial 1. Review status: no classification provided. Collection method: in vitro. Allele origin: not applicable. Functional consequence: functionally_normal. Not counted in ClinVar's aggregate classification.
ClinVar note: "not provided" was previously submitted as the classification for the variant. However, the classification appeared to be based only on an observation of functional data so it was converted to no classification on 2025-07-30.

Literature cited by the submitters: PubMed 30209399 (cited by Women's Health and Genetics/Laboratory Corporation of America, LabCorp).